The following is an entry in ClinVar:

NM_000071.3(CBS):c.531G>C (p.Lys177Asn)

Gene: CBS (cystathionine beta-synthase; minus strand). Cytogenetic location: 21q22.3.
Variant type: single nucleotide variant.
Coding change: c.531G>C on transcript NM_000071.3 (MANE Select); coding-DNA position 531, G replaced by C.
Protein change: p.Lys177Asn; replaces lysine 177 with asparagine.
Molecular consequence: missense variant.
Genome position (GRCh38, 1-based): chr21:43,065,616, C>G on the plus strand (G>C on the coding strand, the complement: CBS is on the minus strand). VCF-style: chr21-43065616-C-G. GRCh37 (hg19) VCF-style: chr21-44485726-C-G.
Other names: c.531G>C, p.Lys177Asn (NM_001178008.3, NM_001178009.3, NM_001320298.2); c.216G>C, p.Lys72Asn (NM_001321072.1); short protein forms K177N, K72N.
Identifiers: ClinVar variation 421268 (VCV000421268.2), dbSNP rs1064795022, ClinGen allele CA16621016.

ClinVar aggregate classification (germline): Uncertain significance (1 of 4 stars; one submission).

Submission:

GeneDx
Classification: Uncertain significance. Last evaluated: 2016-05-20. Review status: criteria provided, single submitter. Criteria: GeneDx Variant Classification (06012015). Collection method: clinical testing. Allele origin: germline. Affected: yes.
Comment: A variant of uncertain significance has been identified in the CBS gene. The c.531 G>C (K177N) variant has not been published as a pathogenic variant, nor has it been reported as a benign variant to our knowledge. It was also not observed in approximately 6,500 individuals of European and African American ancestry in the NHLBI Exome Sequencing Project, indicating it is not a common benign variant in these populations.At the nucleotide level, c.531 G>C (K177N) occurs in the last nucleotide position in the exon, which may play a role in splicing. This substitution occurs at a nucleotide position that is not conserved, though cytosine is not the native nucleotide at this site in any species. In silico splice prediction programs predict this variant results in the loss/reduced efficiency of the splice donor site in intron 6 of the CBS gene. In the absence of functional mRNA studies, the physiological consequence of this variant on splicing cannot be precisely determined. At the protein level, c.531 G>C (K177N) is a semi-conservative amino acid substitution. As these residues share similar properties, but differ in size, charge, or other properties, it may impact secondary structure. This missense substitution occurs at an amino acid position that is conserved and in silico analysis predicts this variant is probably damaging to the protein structure/function.Therefore, based on the currently available information, it is unclear whether this a pathogenic or rare benign variant.